The following is an entry in ClinVar:

NM_015378.4(VPS13D):c.418G>A (p.Val140Ile)

Gene: VPS13D (vacuolar protein sorting 13 homolog D; plus strand). Cytogenetic location: 1p36.22.
Variant type: single nucleotide variant.
Coding change: c.418G>A on transcript NM_015378.4 (MANE Select); coding-DNA position 418, G replaced by A.
Protein change: p.Val140Ile; replaces valine 140 with isoleucine.
Molecular consequence: missense variant.
Genome position (GRCh38, 1-based): chr1:12,244,588, G>A. VCF-style: chr1-12244588-G-A. GRCh37 (hg19) VCF-style: chr1-12304645-G-A.
Other names: c.418G>A, p.Val140Ile (NM_018156.4); short protein forms V140I.
Identifiers: ClinVar variation 2083342 (VCV002083342.1), dbSNP rs143532013, ClinGen allele CA601203.

ClinVar aggregate classification (germline): Uncertain significance (1 of 4 stars; one submission).

Allele frequency attached by ClinVar (database versions not stated): gnomAD 0.00001; gnomAD exomes 0.00003; TOPMed 0.00004; ExAC 0.00007; 1000 Genomes Project 30x 0.00031; 1000 Genomes Project 0.00040.

Submission:

Labcorp Genetics (formerly Invitae), Labcorp
Classification: Uncertain significance. Last evaluated: 2022-08-08. Review status: criteria provided, single submitter. Criteria: Invitae Variant Classification Sherloc (09022015). Collection method: clinical testing. Allele origin: germline.
Comment: This sequence change replaces valine, which is neutral and non-polar, with isoleucine, which is neutral and non-polar, at codon 140 of the VPS13D protein (p.Val140Ile). This variant is present in population databases (rs143532013, gnomAD 0.06%). This variant has not been reported in the literature in individuals affected with VPS13D-related conditions. Algorithms developed to predict the effect of missense changes on protein structure and function (SIFT, PolyPhen-2, Align-GVGD) all suggest that this variant is likely to be tolerated. In summary, the available evidence is currently insufficient to determine the role of this variant in disease. Therefore, it has been classified as a Variant of Uncertain Significance.